The following is an entry in ClinVar:

ClinVar aggregate classification (germline): Pathogenic (1 of 4 stars; one submission).

Conditions:
Perlman syndrome (PRLMNS). Identifiers: Orphanet 2849, MedGen C0796113, MONDO:0009965, OMIM 267000.

Submission:

Labcorp Genetics (formerly Invitae), Labcorp
Classification: Pathogenic for Perlman syndrome. Last evaluated: 2016-12-16. Review status: criteria provided, single submitter. Criteria: Invitae Variant Classification Sherloc (09022015). Collection method: clinical testing. Allele origin: germline.
Comment: This variant is a gross deletion of the genomic region encompassing exon 7 of the DIS3L2 gene. This creates a premature translational stop signal and is expected to result in an absent or disrupted protein product. While this particular variant has not been reported in the literature, loss-of-function variants in DIS3L2 are known to be pathogenic (PMID: 22306653). For these reasons, this variant has been classified as Pathogenic.

NC_000002.12:g.(?_232130619)_(232130719_?)del

Gene: DIS3L2 (DIS3 like 3'-5' exoribonuclease 2; plus strand). Cytogenetic location: 2q37.1.
Variant type: Deletion.
Identifiers: ClinVar variation 417536 (VCV000417536.1).